The following is an entry in ClinVar:

ClinVar aggregate classification (germline): Uncertain significance (1 of 4 stars; one submission).

Conditions:
IFT172-related disorder. Also called: IFT172-related condition; IFT172-related disorders.

Allele frequency attached by ClinVar (database versions not stated): gnomAD exomes 0.00001; TOPMed 0.00001; ExAC 0.00002.
gnomAD v4.1: 4 of 1,614,134 alleles (0.00025%); highest among the groups gnomAD compares: Admixed American, 0.0067%; no homozygotes.

Submission:

PreventionGenetics, part of Exact Sciences
Classification: Uncertain significance for IFT172-related condition. Last evaluated: 2026-06-05. Review status: criteria provided, single submitter. Criteria: ACMG Guidelines, 2015. Collection method: clinical testing. Allele origin: germline.
Comment: The IFT172 c.5137A>G variant is predicted to result in the amino acid substitution p.Asn1713Asp. To our knowledge, this variant has not been reported in the literature. This variant is reported in 0.012% of alleles in individuals of Latino descent in gnomAD. At this time, the clinical significance of this variant is uncertain due to the absence of conclusive functional and genetic evidence.

NM_015662.3(IFT172):c.5137A>G (p.Asn1713Asp)

Genes: IFT172 (intraflagellar transport 172; minus strand), KRTCAP3 (keratinocyte associated protein 3; plus strand). Cytogenetic location: 2p23.3.
Variant type: single nucleotide variant.
Coding change: c.5137A>G on transcript NM_015662.3 (MANE Select); coding-DNA position 5137, A replaced by G.
Protein change: p.Asn1713Asp; replaces asparagine 1713 with aspartic acid.
Molecular consequence: missense variant. On other transcripts: intron variant (1).
Genome position (GRCh38, 1-based): chr2:27,445,037, T>C on the plus strand (A>G on the coding strand, the complement: IFT172 is on the minus strand). VCF-style: chr2-27445037-T-C. GRCh37 (hg19) VCF-style: chr2-27667904-T-C.
Other names: c.5071A>G, p.Asn1691Asp (NM_001410739.1); c.*5+976T>C (NM_001168364.2); short protein forms N1691D, N1713D.
Identifiers: ClinVar variation 3058325 (VCV003058325.3), dbSNP rs770335799, ClinGen allele CA1579352.